The following is an entry in ClinVar:

NM_001008212.2(OPTN):c.627-8C>T

Gene: OPTN (optineurin; plus strand). Cytogenetic location: 10p13.
Variant type: single nucleotide variant.
Coding change: c.627-8C>T on transcript NM_001008212.2 (MANE Select); 8 bases into the intron before coding-DNA position 627, C replaced by T.
Molecular consequence: intron variant.
Genome position (GRCh38, 1-based): chr10:13,118,880, C>T. VCF-style: chr10-13118880-C-T. GRCh37 (hg19) VCF-style: chr10-13160880-C-T.
Other names: c.627-8C>T (NM_001008211.1, NM_001008213.1, NM_021980.4).
Identifiers: ClinVar variation 3356160 (VCV003356160.1).

ClinVar aggregate classification (germline): Likely benign (0 of 4 stars; one submission).

Conditions:
OPTN-related disorder. Also called: OPTN-related condition; OPTN-related disorders.

gnomAD v4.1: 1 of 1,613,400 alleles (0.000062%); highest among the groups gnomAD compares: African/African-American, 0.0013%; no homozygotes.

Submission:

PreventionGenetics, part of Exact Sciences
Classification: Likely benign for OPTN-related condition. Last evaluated: 2023-03-29. Review status: no assertion criteria provided. Collection method: clinical testing. Allele origin: germline.
Comment: This variant is classified as likely benign based on ACMG/AMP sequence variant interpretation guidelines (Richards et al. 2015 PMID: 25741868, with internal and published modifications).